The following is an entry in ClinVar:

NM_207346.3(TSEN54):c.622C>T (p.Arg208Trp)

Gene: TSEN54 (tRNA splicing endonuclease subunit 54; plus strand). Cytogenetic location: 17q25.1.
Variant type: single nucleotide variant.
Coding change: c.622C>T on transcript NM_207346.3 (MANE Select); coding-DNA position 622, C replaced by T.
Protein change: p.Arg208Trp; replaces arginine 208 with tryptophan.
Molecular consequence: missense variant.
Genome position (GRCh38, 1-based): chr17:75,521,509, C>T. VCF-style: chr17-75521509-C-T. GRCh37 (hg19) VCF-style: chr17-73517590-C-T.
Other names: short protein forms R208W.
Identifiers: ClinVar variation 198637 (VCV000198637.11), dbSNP rs147165460, ClinGen allele CA247406.

ClinVar aggregate classification (germline): Uncertain significance. Review status: criteria provided, multiple submitters, no conflicts (2 of 4 stars). 5 submissions from 5 submitters: Uncertain significance (5). Last evaluated 2024-11-11.

Conditions:
Pontocerebellar hypoplasia type 4 (PCH4). Also called: Pontocerebellar Hypoplasia Type 4 (PCH4). Identifiers: Orphanet 166063, MedGen C1856974, MONDO:0009166, OMIM 225753.
Pontocerebellar hypoplasia type 2A (PCH2A). Also called: VOLENDAM NEURODEGENERATIVE DISEASE; PONTOCEREBELLAR HYPOPLASIA WITH PROGRESSIVE CEREBRAL ATROPHY. Identifiers: Orphanet 2524, MedGen C1848526, MONDO:0010190, OMIM 277470.
Pontocerebellar hypoplasia type 5 (PCH5). Also called: Pontocerebellar Hypoplasia Type 5 (PCH5). Identifiers: Orphanet 166068, MedGen C1857762, MONDO:0012438, OMIM 610204.

Allele frequency attached by ClinVar (database versions not stated): ExAC 0.00005; ESP Exome Variant Server 0.00008; gnomAD exomes 0.00008; gnomAD 0.00015 and 0.00016; TOPMed 0.00015; 1000 Genomes Project 0.00040; 1000 Genomes Project 30x 0.00047.
gnomAD v4.1: 76 of 1,613,864 alleles (0.0047%); highest among the groups gnomAD compares: African/African-American, 0.06%; no homozygotes.

Submissions (5):

Labcorp Genetics (formerly Invitae), Labcorp
Classification: Uncertain significance. Last evaluated: 2024-11-11. Review status: criteria provided, single submitter. Criteria: Invitae Variant Classification Sherloc (09022015). Collection method: clinical testing. Allele origin: germline.
Comment: This sequence change replaces arginine, which is basic and polar, with tryptophan, which is neutral and slightly polar, at codon 208 of the TSEN54 protein (p.Arg208Trp). This variant is present in population databases (rs147165460, gnomAD 0.03%). This variant has not been reported in the literature in individuals affected with TSEN54-related conditions. ClinVar contains an entry for this variant (Variation ID: 198637). Invitae Evidence Modeling of protein sequence and biophysical properties (such as structural, functional, and spatial information, amino acid conservation, physicochemical variation, residue mobility, and thermodynamic stability) indicates that this missense variant is not expected to disrupt TSEN54 protein function with a negative predictive value of 95%. In summary, the available evidence is currently insufficient to determine the role of this variant in disease. Therefore, it has been classified as a Variant of Uncertain Significance.

Women's Health and Genetics/Laboratory Corporation of America, LabCorp
Classification: Uncertain significance. Last evaluated: 2023-02-11. Review status: criteria provided, single submitter. Criteria: LabCorp Variant Classification Summary - May 2015. Collection method: clinical testing. Allele origin: germline.

GeneDx
Classification: Uncertain significance. Last evaluated: 2022-04-08. Review status: criteria provided, single submitter. Criteria: GeneDx Variant Classification Process June 2021. Collection method: clinical testing. Allele origin: germline. Affected: yes.
Comment: In silico analysis supports that this missense variant does not alter protein structure/function; Has not been previously published as pathogenic or benign to our knowledge

Fulgent Genetics
Classification: Uncertain significance for Pontocerebellar hypoplasia type 4; Pontocerebellar hypoplasia type 2A; Pontocerebellar hypoplasia type 5. Last evaluated: 2018-10-31. Review status: criteria provided, single submitter. Criteria: ACMG Guidelines, 2015. Collection method: clinical testing. Allele origin: unknown.

Eurofins Ntd Llc (ga)
Classification: Uncertain significance. Last evaluated: 2017-04-24. Review status: criteria provided, single submitter. Criteria: EGL Classification Definitions 2015. Collection method: clinical testing. Allele origin: germline. Observed: 2 variant alleles, 2 heterozygotes.